The following is an entry in ClinVar:

NM_032756.4(HPDL):c.109C>T (p.Arg37Trp)

Gene: HPDL (4-hydroxyphenylpyruvate dioxygenase like; plus strand). Cytogenetic location: 1p34.1.
Variant type: single nucleotide variant.
Coding change: c.109C>T on transcript NM_032756.4 (MANE Select); coding-DNA position 109, C replaced by T.
Protein change: p.Arg37Trp; replaces arginine 37 with tryptophan.
Molecular consequence: missense variant.
Genome position (GRCh38, 1-based): chr1:45,327,257, C>T. VCF-style: chr1-45327257-C-T. GRCh37 (hg19) VCF-style: chr1-45792929-C-T.
Other names: short protein forms R37W.
Identifiers: ClinVar variation 3526466 (VCV003526466.1).

ClinVar aggregate classification (germline): Uncertain significance (1 of 4 stars; one submission).

Conditions:
Inborn genetic diseases. Identifiers: MedGen C0950123, MeSH D030342.

Submission:

Ambry Genetics
Classification: Uncertain significance for Inborn genetic diseases. Last evaluated: 2024-08-12. Review status: criteria provided, single submitter. Criteria: Ambry Variant Classification Scheme 2023. Collection method: clinical testing. Allele origin: germline.
Comment: The c.109C>T (p.R37W) alteration is located in exon 1 (coding exon 1) of the HPDL gene. This alteration results from a C to T substitution at nucleotide position 109, causing the arginine (R) at amino acid position 37 to be replaced by a tryptophan (W). Based on data from gnomAD, the T allele has an overall frequency of 0.001% (2/229206) total alleles studied. The highest observed frequency was 0.003% (1/33410) of Latino alleles. Another alteration at the same codon, c.110G>C (p.R37P), has been reported in an individual with features consistent with HPDL-related neurological disorder (Wiessner, 2021). This amino acid position is highly conserved in available vertebrate species. The in silico prediction for this alteration is inconclusive. Based on insufficient or conflicting evidence, the clinical significance of this alteration remains unclear.

Literature cited by the submitters: PubMed 33970200.